The following is an entry in ClinVar:

NM_004046.6(ATP5F1A):c.1318T>C (p.Tyr440His)

Gene: ATP5F1A (ATP synthase F1 subunit alpha; minus strand). Cytogenetic location: 18q21.1.
Variant type: single nucleotide variant.
Coding change: c.1318T>C on transcript NM_004046.6 (MANE Select); coding-DNA position 1318, T replaced by C.
Protein change: p.Tyr440His; replaces tyrosine 440 with histidine.
Molecular consequence: missense variant.
Genome position (GRCh38, 1-based): chr18:46,086,224, A>G on the plus strand (T>C on the coding strand, the complement: ATP5F1A is on the minus strand). VCF-style: chr18-46086224-A-G. GRCh37 (hg19) VCF-style: chr18-43666190-A-G.
Other names: c.1168T>C, p.Tyr390His (NM_001001935.3, NM_001257335.2); c.1318T>C, p.Tyr440His (NM_001001937.2); c.1252T>C, p.Tyr418His (NM_001257334.2); short protein forms Y418H, Y390H, Y440H.
Identifiers: ClinVar variation 3393598 (VCV003393598.1).

ClinVar aggregate classification (germline): Uncertain significance (1 of 4 stars; one submission).

Submission:

GeneDx
Classification: Uncertain significance. Last evaluated: 2024-06-28. Review status: criteria provided, single submitter. Criteria: GeneDx Variant Classification Process June 2021. Collection method: clinical testing. Allele origin: germline. Affected: yes.
Comment: Not observed at significant frequency in large population cohorts (gnomAD); In silico analysis supports that this missense variant has a deleterious effect on protein structure/function; Has not been previously published as pathogenic or benign to our knowledge